The following is an entry in ClinVar:

ClinVar aggregate classification (germline): Uncertain significance. Review status: criteria provided, multiple submitters, no conflicts (2 of 4 stars). 2 submissions from 2 submitters: Uncertain significance (2). Last evaluated 2024-12-26.

Conditions:
Inborn genetic diseases. Identifiers: MedGen C0950123, MeSH D030342.

Allele frequency attached by ClinVar (database versions not stated): gnomAD exomes 0.00001; TOPMed 0.00001.

Submissions (2):

Ambry Genetics
Classification: Uncertain significance for Inborn genetic diseases. Last evaluated: 2024-12-26. Review status: criteria provided, single submitter. Criteria: Ambry Variant Classification Scheme 2023. Collection method: clinical testing. Allele origin: germline.

Labcorp Genetics (formerly Invitae), Labcorp
Classification: Uncertain significance. Last evaluated: 2022-08-16. Review status: criteria provided, single submitter. Criteria: Invitae Variant Classification Sherloc (09022015). Collection method: clinical testing. Allele origin: germline.
Comment: In summary, the available evidence is currently insufficient to determine the role of this variant in disease. Therefore, it has been classified as a Variant of Uncertain Significance. Algorithms developed to predict the effect of missense changes on protein structure and function are either unavailable or do not agree on the potential impact of this missense change (SIFT: "Deleterious"; PolyPhen-2: "Possibly Damaging"; Align-GVGD: "Class C0"). This variant has not been reported in the literature in individuals affected with GRM6-related conditions. The frequency data for this variant in the population databases is considered unreliable, as metrics indicate poor data quality at this position in the gnomAD database. This sequence change replaces arginine, which is basic and polar, with cysteine, which is neutral and slightly polar, at codon 293 of the GRM6 protein (p.Arg293Cys).

NM_000843.4(GRM6):c.877C>T (p.Arg293Cys)

Gene: GRM6 (glutamate metabotropic receptor 6; minus strand). Cytogenetic location: 5q35.3.
Variant type: single nucleotide variant.
Coding change: c.877C>T on transcript NM_000843.4 (MANE Select); coding-DNA position 877, C replaced by T.
Protein change: p.Arg293Cys; replaces arginine 293 with cysteine.
Molecular consequence: missense variant.
Genome position (GRCh38, 1-based): chr5:178,990,727, G>A on the plus strand (C>T on the coding strand, the complement: GRM6 is on the minus strand). VCF-style: chr5-178990727-G-A. GRCh37 (hg19) VCF-style: chr5-178417728-G-A.
Other names: c.877C>T (NM_000843.3); short protein forms R293C.
Identifiers: ClinVar variation 1918726 (VCV001918726.4), dbSNP rs1185965317, ClinGen allele CA362432288.